The following is an entry in ClinVar:

NM_020381.4(PDSS2):c.667G>A (p.Val223Ile)

Gene: PDSS2 (decaprenyl diphosphate synthase subunit 2; minus strand). Cytogenetic location: 6q21.
Variant type: single nucleotide variant.
Coding change: c.667G>A on transcript NM_020381.4 (MANE Select); coding-DNA position 667, G replaced by A.
Protein change: p.Val223Ile; replaces valine 223 with isoleucine.
Molecular consequence: missense variant.
Genome position (GRCh38, 1-based): chr6:107,245,583, C>T on the plus strand (G>A on the coding strand, the complement: PDSS2 is on the minus strand). VCF-style: chr6-107245583-C-T. GRCh37 (hg19) VCF-style: chr6-107566787-C-T.
Other names: short protein forms V223I.
Identifiers: ClinVar variation 214987 (VCV000214987.53), dbSNP rs35555197, ClinGen allele CA321989.

ClinVar aggregate classification (germline): Conflicting classifications of pathogenicity. Review status: criteria provided, conflicting classifications (1 of 4 stars). 10 submissions from 10 submitters: Uncertain significance (6); Likely benign (2). 2 of the submissions do not count toward it. Last evaluated 2026-01-22.

Conditions:
Kidney disorder. Also called: Nephropathy; Kidney disease; Kidney Diseases; renal disease; renal disorder. Identifiers: MedGen C0022658, MONDO:0005240, HP:0000112.
PDSS2-related disorder. Also called: PDSS2-related condition.
Coenzyme Q10 deficiency, primary, 3 (COQ10D3). Identifiers: Orphanet 255249, MedGen C3553358, MONDO:0013838, OMIM 614652.

Allele frequency attached by ClinVar (database versions not stated): TOPMed 0.00102; ESP Exome Variant Server 0.00108; gnomAD 0.00123 and 0.00130; gnomAD exomes 0.00126 and 0.00162; ExAC 0.00181.
gnomAD v4.1: 2,494 of 1,595,666 alleles (0.16%); highest among the groups gnomAD compares: Non-Finnish European, 0.2%; 2 homozygotes.

Submissions (10):

Labcorp Genetics (formerly Invitae), Labcorp
Classification: Likely benign. Last evaluated: 2026-01-22. Review status: criteria provided, single submitter. Criteria: Invitae Variant Classification Sherloc (09022015). Collection method: clinical testing. Allele origin: germline.

GeneDx
Classification: Uncertain significance. Last evaluated: 2025-12-16. Review status: criteria provided, single submitter. Criteria: GeneDx Variant Classification Process June 2021. Collection method: clinical testing. Allele origin: germline. Affected: yes.
Comment: In silico analysis suggests that this missense variant does not alter protein structure/function; Has not been previously published as pathogenic or benign to our knowledge

Blueprint Genetics
Classification: Likely benign. Last evaluated: 2024-11-12. Review status: criteria provided, single submitter. Criteria: ACMG Guidelines, 2015. Collection method: clinical testing. Allele origin: germline.

CeGaT Center for Human Genetics Tuebingen
Classification: Uncertain significance. Last evaluated: 2024-06-01. Review status: criteria provided, single submitter. Criteria: CeGaT Center For Human Genetics Tuebingen Variant Classification Criteria Version 2. Collection method: clinical testing. Allele origin: germline. Affected: yes. Observed: 2 variant alleles.

Women's Health and Genetics/Laboratory Corporation of America, LabCorp
Classification: Uncertain significance. Last evaluated: 2023-07-21. Review status: criteria provided, single submitter. Criteria: LabCorp Variant Classification Summary - May 2015. Collection method: clinical testing. Allele origin: germline.
Comment: Variant summary: PDSS2 c.667G>A (p.Val223Ile) results in a conservative amino acid change in the encoded protein sequence. Three of five in-silico tools predict a benign effect of the variant on protein function. The variant allele was found at a frequency of 0.0013 in 246528 control chromosomes (gnomAD). To our knowledge, no occurrence of c.667G>A in individuals affected with Coenzyme Q10 Deficiency, Primary, 3 and no experimental evidence demonstrating its impact on protein function have been reported. Five submitters have cited clinical-significance assessments for this variant to ClinVar after 2014 and classified the variant as VUS (n=4) and likely benign (n=1). Based on the evidence outlined above, the variant was classified as uncertain significance.

Baylor Genetics
Classification: Uncertain significance for Coenzyme Q10 deficiency, primary, 3. Last evaluated: 2023-07-17. Review status: criteria provided, single submitter. Criteria: ACMG Guidelines, 2015. Collection method: clinical testing. Allele origin: unknown.

Fulgent Genetics
Classification: Uncertain significance for Coenzyme Q10 deficiency, primary, 3. Last evaluated: 2018-10-31. Review status: criteria provided, single submitter. Criteria: ACMG Guidelines, 2015. Collection method: clinical testing. Allele origin: unknown.

Genome Diagnostics Laboratory, The Hospital for Sick Children
Classification: Uncertain significance for Kidney disorder. Last evaluated: 2016-12-12. Review status: criteria provided, single submitter. Criteria: ACMG Guidelines, 2015. Collection method: clinical testing. Allele origin: germline.

PreventionGenetics, part of Exact Sciences
Classification: Likely benign for PDSS2-related condition. Last evaluated: 2021-07-13. Review status: no assertion criteria provided. Collection method: clinical testing. Allele origin: germline. Not counted in ClinVar's aggregate classification.
Comment: This variant is classified as likely benign based on ACMG/AMP sequence variant interpretation guidelines (Richards et al. 2015 PMID: 25741868, with internal and published modifications).

Mayo Clinic Laboratories, Mayo Clinic
Classification: Uncertain significance. Last evaluated: 2018-01-11. Review status: no assertion criteria provided. Collection method: clinical testing. Allele origin: unknown. Not counted in ClinVar's aggregate classification.